The following is an entry in ClinVar:

ClinVar aggregate classification (germline): Pathogenic/Likely pathogenic. Review status: criteria provided, multiple submitters, no conflicts (2 of 4 stars). 7 submissions from 4 submitters: Pathogenic (2); Likely pathogenic (1). 4 of the submissions do not count toward it. Last evaluated 2025-10-21.

Conditions:
Methemoglobinemia, alpha type. Identifiers: MedGen C4693798, MONDO:0020835, OMIM 617973.
HEMOGLOBIN M (IWATE).
HEMOGLOBIN M (KANKAKEE).
HEMOGLOBIN M (OLDENBURG).
HEMOGLOBIN M (SENDAI).

Submissions (7):

Variantyx, Inc.
Classification: Likely pathogenic for Methemoglobinemia, alpha type. Last evaluated: 2025-10-21. Review status: criteria provided, single submitter. Criteria: Variantyx Assertion Criteria 2022. Collection method: clinical testing. Allele origin: germline. Inheritance: Autosomal dominant inheritance. Affected: yes.
Comment: This is a nonsynonymous variant in the HBA1 gene (OMIM: 141800). Pathogenic variants in this gene have been associated with autosomal dominant Methemoglobinemia, alpha type. This variant has been reported in at least in 3 unrelated affected individuals (PMID: 10477710, 3957697, 6998928, 3026948) (PS4). Multiple computational algorithms predict a deleterious effect for this variant (REVEL score: 0.924) (PP3), and an alternate amino acid change(s) at this position (p.His88Tyr) has been previously reported in similarly affected individuals, which suggests that this residue is biologically important (PM5_Supporting). This variant is absent from control populations (PM2). Based on the current evidence, this variant is classified as likely pathogenic for autosomal dominant Methemoglobinemia, alpha type.

ARUP Laboratories, Molecular Genetics and Genomics, ARUP Laboratories
Classification: Pathogenic. Last evaluated: 2023-12-14. Review status: criteria provided, single submitter. Criteria: ARUP Molecular Germline Variant Investigation Process 2024. Collection method: clinical testing. Allele origin: germline.
Comment: The Hb M-Iwate variant (HBA1: c.262C>T; p.His88Tyr, also known as Hb M-Kankakee, Hb M-Oldenburg, Hb M-Sendai and His87Tyr when numbered from the mature protein, rs28928876, HbVar ID: 134) is reported heterozygous in the literature in multiple individuals affected with chronic cyanosis (See HbVar and references therein, Ameri 1999, Horst 1987). This variant is an autosomal dominant methemoglobinemia variant with significantly reduced oxygen affinity (HbVar, Hayashi 1966). This variant is also reported in ClinVar (Variation ID: 15779) and absent from the Genome Aggregation Database, indicating it is not a common polymorphism. Computational analyses predict that this variant is deleterious (REVEL: 0.924). Based on available information, this variant is considered to be pathogenic. References: Link to HbVar database: Ameri A et al. Identification of the molecular genetic defect of patients with methemoglobin M-Kankakee (M-Iwate), alpha87 (F8) His --> Tyr: evidence for an electrostatic model of alphaM hemoglobin assembly. Blood. 1999 Sep 1;94(5):1825-6. PMID: 10477710. Hayashi N et al. Studies on relationships between structure and function of hemoglobin M-Iwate. J Biol Chem. 1966 Jan 10;241(1):79-84. PMID: 5901058. Horst J et al. Hemoglobin M Iwate is caused by a C----T transition in codon 87 of the human alpha 1-globin gene. Hum Genet. 1987 Jan;75(1):53-5. PMID: 3026948.

3billion
Classification: Pathogenic for Methemoglobinemia, alpha type. Review status: criteria provided, single submitter. Criteria: ACMG Guidelines, 2015. Collection method: clinical testing. Allele origin: unknown. Affected: yes. Observed: 1 heterozygote.
Comment: The variant is not observed in the gnomAD v2.1.1 dataset. In silico tool predictions suggest damaging effect of the variant on gene or gene product (REVEL: 0.92; 3Cnet: 0.72). Same nucleotide change resulting in same amino acid change has been previously reported to be associated with HBA1 related disorder (PMID: 10477710). The variant has been observed in multiple (>3) similarly affected unrelated individuals (PMID: 10477710, 3957697, 6998928). Different missense changes at the same codon (p.His88Asp, p.His88Gln, p.His88Pro) have been reported to be associated with HBA1 related disorder (ClinVar ID: VCV001809522 / PMID: 18310146, 27225845). Therefore, this variant is classified as Pathogenic according to the recommendation of ACMG/AMP guideline.

OMIM
Classification: other for HEMOGLOBIN M (IWATE). Last evaluated: 1999-09-01. Review status: no assertion criteria provided. Collection method: literature only. Allele origin: germline. Not counted in ClinVar's aggregate classification.

OMIM
Classification: other for HEMOGLOBIN M (KANKAKEE). Last evaluated: 1999-09-01. Review status: no assertion criteria provided. Collection method: literature only. Allele origin: germline. Not counted in ClinVar's aggregate classification.

OMIM
Classification: other for HEMOGLOBIN M (OLDENBURG). Last evaluated: 1999-09-01. Review status: no assertion criteria provided. Collection method: literature only. Allele origin: germline. Not counted in ClinVar's aggregate classification.

OMIM
Classification: other for HEMOGLOBIN M (SENDAI). Last evaluated: 1999-09-01. Review status: no assertion criteria provided. Collection method: literature only. Allele origin: germline. Not counted in ClinVar's aggregate classification.

Literature cited by the submitters: PubMed 10477710 (cited by 3 submitters); PubMed 3957697 (cited by 3 submitters); PubMed 6998928 (cited by 3 submitters); PubMed 3026948 (cited by Variantyx, Inc. and OMIM); PubMed 27225845 (cited by 3billion); PubMed 18310146 (cited by 3billion); PubMed 7275668 (cited by OMIM); PubMed 13852555 (cited by OMIM); PubMed 13897827 (cited by OMIM); PubMed 14474785 (cited by OMIM); PubMed 13906251 (cited by OMIM); Heller, P. Hemoglobin M (Chicago) and M (Kankakee). In: Lehmann, H., Betke, K. (eds.) Haemoglobin-Colloquium. Stuttgart: Georg Thieme Verlag (pub.) 47-49, 1962. (cited by OMIM); PubMed 13985279 (cited by OMIM); PubMed 13911805 (cited by OMIM); PubMed 5896605 (cited by OMIM); PubMed 14323593 (cited by OMIM); PubMed 5964191 (cited by OMIM); PubMed 7216821 (cited by OMIM).

NM_000558.5(HBA1):c.262C>T (p.His88Tyr)

Genes: HBA1 (hemoglobin subunit alpha 1; plus strand), LOC106804613 (hemoglobin subunit alpha 1 recombination region; plus strand). Cytogenetic location: 16p13.3.
Variant type: single nucleotide variant.
Coding change: c.262C>T on transcript NM_000558.5 (MANE Select); coding-DNA position 262, C replaced by T.
Protein change: p.His88Tyr; replaces histidine 88 with tyrosine.
Molecular consequence: missense variant.
Genome position (GRCh38, 1-based): chr16:177,095, C>T. VCF-style: chr16-177095-C-T. GRCh37 (hg19) VCF-style: chr16-227094-C-T.
Other names: H87Y; short protein forms H88Y.
Identifiers: ClinVar variation 15779 (VCV000015779.6), dbSNP rs28928876, ClinGen allele CA125819.